The following is an entry in ClinVar:

ClinVar aggregate classification (germline): Uncertain significance (1 of 4 stars; one submission).

gnomAD v4.1: 4 of 1,611,368 alleles (0.00025%); highest among the groups gnomAD compares: Admixed American, 0.005%; no homozygotes.

Submission:

Labcorp Genetics (formerly Invitae), Labcorp
Classification: Uncertain significance. Last evaluated: 2025-11-25. Review status: criteria provided, single submitter. Criteria: Invitae Variant Classification Sherloc (09022015). Collection method: clinical testing. Allele origin: germline.
Comment: This sequence change falls in intron 28 of the SMARCA2 gene. It does not directly change the encoded amino acid sequence of the SMARCA2 protein. It affects a nucleotide within the consensus splice site. This variant is present in population databases (rs767961847, gnomAD 0.006%). This variant has not been reported in the literature in individuals affected with SMARCA2-related conditions. Variants that disrupt the consensus splice site are a relatively common cause of aberrant splicing (PMID: 17576681, 9536098). Algorithms developed to predict the effect of sequence changes on RNA splicing suggest that this variant is not likely to affect RNA splicing. In summary, the available evidence is currently insufficient to determine the role of this variant in disease. Therefore, it has been classified as a Variant of Uncertain Significance.

Literature cited by the submitters: PubMed 17576681; PubMed 9536098.

NM_003070.5(SMARCA2):c.4199+3G>C

Gene: SMARCA2 (SWI/SNF related BAF chromatin remodeling complex subunit ATPase 2; plus strand). Cytogenetic location: 9p24.3.
Variant type: single nucleotide variant.
Coding change: c.4199+3G>C on transcript NM_003070.5 (MANE Select); 3 bases into the intron after coding-DNA position 4199, G replaced by C.
Molecular consequence: intron variant.
Genome position (GRCh38, 1-based): chr9:2,161,906, G>C. VCF-style: chr9-2161906-G-C. GRCh37 (hg19) VCF-style: chr9-2161906-G-C.
Other names: c.4199+3G>C (NM_001289396.2, NM_139045.4); c.227+3G>C (NM_001289398.2); c.317+3G>C (NM_001289400.2); c.311+3G>C (NM_001289399.2); c.4025+3G>C (NM_001289397.2).
Identifiers: ClinVar variation 4764922 (VCV004764922.1).